The following is an entry in ClinVar:

ClinVar aggregate classification (germline): Pathogenic/Likely pathogenic. Review status: criteria provided, multiple submitters, no conflicts (2 of 4 stars). 5 submissions from 5 submitters: Pathogenic (4); Likely pathogenic (1). Last evaluated 2025-12-02.

Conditions:
Cardiovascular phenotype. Identifiers: MedGen CN230736.
MYBPC3-related disorder. Also called: MYBPC3-related condition; MYBPC3-related disease; MYBPC3-related disorders.
Hypertrophic cardiomyopathy 4. Also called: Familial hypertrophic cardiomyopathy 4. Identifiers: MedGen C1861862, MONDO:0007268, OMIM 115197.
Hypertrophic cardiomyopathy. Also called: HYPERTROPHIC MYOCARDIOPATHY. Identifiers: Orphanet 217569, MedGen C0007194, MeSH D002312, MONDO:0005045, HP:0001639.

Allele frequency attached by ClinVar (database versions not stated): TOPMed below 0.00001.

Submissions (5):

PreventionGenetics, part of Exact Sciences
Classification: Pathogenic for MYBPC3-related condition. Last evaluated: 2025-12-02. Review status: criteria provided, single submitter. Criteria: ACMG Guidelines, 2015. Collection method: clinical testing. Allele origin: germline.
Comment: The MYBPC3 c.2376G>A variant is predicted to result in premature protein termination (p.Trp792*). This variant has been reported to be causative for hypertrophic cardiomyopathy (Marsiglia et al. 2013. PubMed ID: 24093860; Ochoa et al. 2018. PubMed ID: 30442288). This variant has not been reported in a large population database (gnomAD), indicating this variant is rare. Nonsense variants in MYBPC3 are expected to be pathogenic. This variant is interpreted as pathogenic.

Labcorp Genetics (formerly Invitae), Labcorp
Classification: Pathogenic for Hypertrophic cardiomyopathy. Last evaluated: 2025-10-01. Review status: criteria provided, single submitter. Criteria: Invitae Variant Classification Sherloc (09022015). Collection method: clinical testing. Allele origin: germline.
Comment: This sequence change creates a premature translational stop signal (p.Trp792*) in the MYBPC3 gene. It is expected to result in an absent or disrupted protein product. Loss-of-function variants in MYBPC3 are known to be pathogenic (PMID: 19574547). This variant is not present in population databases (gnomAD no frequency). This variant has not been reported in the literature in individuals affected with MYBPC3-related conditions. ClinVar contains an entry for this variant (Variation ID: 217484). For these reasons, this variant has been classified as Pathogenic.

Ambry Genetics
Classification: Pathogenic for Cardiovascular phenotype. Last evaluated: 2024-05-30. Review status: criteria provided, single submitter. Criteria: Ambry Variant Classification Scheme 2023. Collection method: clinical testing. Allele origin: germline.
Comment: The p.W792* pathogenic mutation (also known as c.2376G>A), located in coding exon 24 of the MYBPC3 gene, results from a G to A substitution at nucleotide position 2376. This changes the amino acid from a tryptophan to a stop codon within coding exon 24. This variant has been reported in multiple individuals with features consistent with hypertrophic cardiomyopathy (Marsiglia JD et al. Am Heart J, 2013 Oct;166:775-82; Ho CY et al. Circulation, 2018 Oct;138:1387-1398; Stava TT et al. Eur J Prev Cardiol, 2022 Oct;29:1789-1799). This variant is considered to be rare based on population cohorts in the Genome Aggregation Database (gnomAD). This alteration is expected to result in loss of function by premature protein truncation or nonsense-mediated mRNA decay. As such, this alteration is interpreted as a disease-causing mutation.

Clinical Genetics Service, Universitary Hospital 12 de Octubre
Classification: Pathogenic for Hypertrophic cardiomyopathy 4. Review status: criteria provided, single submitter. Criteria: ACMG Guidelines, 2015. Collection method: clinical testing. Allele origin: germline. Affected: yes.

Laboratory of Genetics and Molecular Cardiology, University of São Paulo
Classification: Likely pathogenic for Hypertrophic cardiomyopathy 4. Review status: criteria provided, single submitter. Criteria: LGCM Criteria August 2015. Collection method: clinical testing. Allele origin: germline. Inheritance: Autosomal dominant inheritance. Affected: yes. Observed: 4 variant alleles. Study: Sarcomeric Human Cardiomyopathy Registry (ShaRe).

Literature cited by the submitters: PubMed 19574547 (cited by Labcorp Genetics (formerly Invitae), Labcorp); PubMed 24093860 (cited by Ambry Genetics); PubMed 30297972 (cited by Ambry Genetics); PubMed 35653365 (cited by Ambry Genetics).

NM_000256.3(MYBPC3):c.2376G>A (p.Trp792Ter)

Gene: MYBPC3 (myosin binding protein C3; minus strand). Cytogenetic location: 11p11.2.
Variant type: single nucleotide variant.
Coding change: c.2376G>A on transcript NM_000256.3 (MANE Select); coding-DNA position 2376, G replaced by A.
Protein change: p.Trp792Ter; replaces tryptophan 792 with a stop codon.
Molecular consequence: nonsense.
Genome position (GRCh38, 1-based): chr11:47,337,727, C>T on the plus strand (G>A on the coding strand, the complement: MYBPC3 is on the minus strand). VCF-style: chr11-47337727-C-T. GRCh37 (hg19) VCF-style: chr11-47359278-C-T.
Other names: short protein forms W792*.
Identifiers: ClinVar variation 217484 (VCV000217484.12), dbSNP rs863225112, ClinGen allele CA279280.